The following is an entry in ClinVar:

ClinVar aggregate classification (germline): Uncertain significance (1 of 4 stars; one submission).

Conditions:
Dyskeratosis congenita. Identifiers: Orphanet 1775, MedGen C0265965, MONDO:0015780.

Allele frequency attached by ClinVar (database versions not stated): ExAC 0.00003; gnomAD exomes 0.00004 and 0.00008; TOPMed 0.00007; gnomAD 0.00005; ESP Exome Variant Server 0.00024.
gnomAD v4.1: 118 of 1,613,920 alleles (0.0073%); highest among the groups gnomAD compares: Non-Finnish European, 0.0094%; no homozygotes.

Submission:

Labcorp Genetics (formerly Invitae), Labcorp
Classification: Uncertain significance for Dyskeratosis congenita. Last evaluated: 2024-05-17. Review status: criteria provided, single submitter. Criteria: Invitae Variant Classification Sherloc (09022015). Collection method: clinical testing. Allele origin: germline.
Comment: This sequence change replaces isoleucine, which is neutral and non-polar, with methionine, which is neutral and non-polar, at codon 291 of the CTC1 protein (p.Ile291Met). This variant is present in population databases (rs199900567, gnomAD 0.008%). This variant has not been reported in the literature in individuals affected with CTC1-related conditions. ClinVar contains an entry for this variant (Variation ID: 842683). Advanced modeling of protein sequence and biophysical properties (such as structural, functional, and spatial information, amino acid conservation, physicochemical variation, residue mobility, and thermodynamic stability) performed at Invitae indicates that this missense variant is not expected to disrupt CTC1 protein function with a negative predictive value of 80%. In summary, the available evidence is currently insufficient to determine the role of this variant in disease. Therefore, it has been classified as a Variant of Uncertain Significance.

NM_025099.6(CTC1):c.873C>G (p.Ile291Met)

Gene: CTC1 (CST telomere replication complex component 1; minus strand). Cytogenetic location: 17p13.1.
Variant type: single nucleotide variant.
Coding change: c.873C>G on transcript NM_025099.6 (MANE Select); coding-DNA position 873, C replaced by G.
Protein change: p.Ile291Met; replaces isoleucine 291 with methionine.
Molecular consequence: missense variant. On other transcripts: non-coding transcript variant (1).
Genome position (GRCh38, 1-based): chr17:8,236,262, G>C on the plus strand (C>G on the coding strand, the complement: CTC1 is on the minus strand). VCF-style: chr17-8236262-G-C. GRCh37 (hg19) VCF-style: chr17-8139580-G-C.
Other names: short protein forms I291M.
Identifiers: ClinVar variation 842683 (VCV000842683.6), dbSNP rs199900567, ClinGen allele CA8372532.